The following is an entry in ClinVar:

ClinVar aggregate classification (germline): Uncertain significance (1 of 4 stars; one submission).

Allele frequency attached by ClinVar (database versions not stated): gnomAD exomes below 0.00001.
gnomAD v4.1: 2 of 1,610,414 alleles (0.00012%); highest among the groups gnomAD compares: Non-Finnish European, 0.00017%; no homozygotes.

Submission:

Labcorp Genetics (formerly Invitae), Labcorp
Classification: Uncertain significance. Last evaluated: 2023-07-09. Review status: criteria provided, single submitter. Criteria: Invitae Variant Classification Sherloc (09022015). Collection method: clinical testing. Allele origin: germline.
Comment: In summary, the available evidence is currently insufficient to determine the role of this variant in disease. Therefore, it has been classified as a Variant of Uncertain Significance. An algorithm developed to predict the effect of missense changes on protein structure and function (PolyPhen-2) suggests that this variant is likely to be disruptive. This variant has not been reported in the literature in individuals affected with FBXO11-related conditions. This variant is not present in population databases (gnomAD no frequency). This sequence change replaces tyrosine, which is neutral and polar, with cysteine, which is neutral and slightly polar, at codon 343 of the FBXO11 protein (p.Tyr343Cys).

NM_001190274.2(FBXO11):c.1028A>G (p.Tyr343Cys)

Gene: FBXO11 (F-box protein 11; minus strand). Cytogenetic location: 2p16.3.
Variant type: single nucleotide variant.
Coding change: c.1028A>G on transcript NM_001190274.2 (MANE Select); coding-DNA position 1028, A replaced by G.
Protein change: p.Tyr343Cys; replaces tyrosine 343 with cysteine.
Molecular consequence: missense variant.
Genome position (GRCh38, 1-based): chr2:47,832,977, T>C on the plus strand (A>G on the coding strand, the complement: FBXO11 is on the minus strand). VCF-style: chr2-47832977-T-C. GRCh37 (hg19) VCF-style: chr2-48060116-T-C.
Other names: c.776A>G, p.Tyr259Cys (NM_001374325.1, NM_025133.4); short protein forms Y259C, Y343C.
Identifiers: ClinVar variation 2739556 (VCV002739556.3), dbSNP rs2531195126, ClinGen allele CA346766040.